The following is an entry in ClinVar:

NM_000169.3(GLA):c.639+3G>A

Genes: GLA (galactosidase alpha; minus strand), RPL36A-HNRNPH2 (RPL36A-HNRNPH2 readthrough; plus strand). Cytogenetic location: Xq22.1.
Variant type: single nucleotide variant.
Coding change: c.639+3G>A on transcript NM_000169.3 (MANE Select); 3 bases into the intron after coding-DNA position 639, G replaced by A.
Molecular consequence: intron variant.
Genome position (GRCh38, 1-based): chrX:101,400,663, C>T on the plus strand (G>A on the coding strand, the complement: GLA is on the minus strand). VCF-style: chrX-101400663-C-T. GRCh37 (hg19) VCF-style: chrX-100655651-C-T.
Other names: c.300+5206C>T (NM_001199973.2); c.177+8841C>T (NM_001199974.2); c.762+3G>A (NM_001406747.1); c.639+3G>A (NM_001406748.1).
Identifiers: ClinVar variation 626561 (VCV000626561.4), dbSNP rs1569303777, ClinGen allele CA913190387.
Genomic context (GRCh38, chrX:101,400,663, plus strand): 5'-TCCTTTGTTGTCAAGTTCTATCTATCAGTACAGTTCTATTGGATTCTGGGCTCACTATCT[C>T]ACCTTTTGAAAGGGCCACATATAAAGAGGCCACTCACAGGAGTACACAATGCTTCTGCCA-3'

ClinVar aggregate classification (germline): Uncertain significance. Review status: criteria provided, multiple submitters, no conflicts (2 of 4 stars). 2 submissions from 2 submitters: Uncertain significance (2). Last evaluated 2026-09-08.

Conditions:
Fabry disease. Also called: Angiokeratoma corporis diffusum; Ceramide trihexosidosis; Fabry's disease; ALPHA-GALACTOSIDASE A DEFICIENCY; ANDERSON-FABRY DISEASE; CERAMIDE TRIHEXOSIDASE DEFICIENCY. Identifiers: Orphanet 324, MedGen C0002986, MONDO:0010526, OMIM 301500, HP:0001071. Disease mechanism: loss of function, Fabry disease is due to inactivating mutations in the X-linked GLA gene resulting in deficiency of the enzyme Alpha Galactosidase-A..
Cardiomyopathy (CMYO). Also called: Cardiomyopathies. Identifiers: Orphanet 167848, MedGen C0878544, MONDO:0004994, HP:0001638. Inheritance: Various modes of inheritance.

Submissions (2):

Genomenon, Inc
Classification: Uncertain significance for Fabry disease. Last evaluated: 2026-09-08. Review status: criteria provided, single submitter. Criteria: Genomenon Sequence Variant Interpretation Standards - Updated. Collection method: curation. Allele origin: germline. Affected: no.
Comment: GLA c.639+3G>A is an intronic variant located in the donor splice region of intron 4. This variant has been reported in the published literature (PMID:39336803). It is absent or not present at a significant frequency in gnomAD. In silico models predict that this variant is possibly or probably damaging. In conclusion, we classify GLA c.639+3G>A as a variant of uncertain significance.

CHEO Genetics Diagnostic Laboratory, Children's Hospital of Eastern Ontario
Classification: Uncertain significance for Cardiomyopathy. Last evaluated: 2015-09-01. Review status: criteria provided, single submitter. Criteria: ACMG Guidelines, 2015. Collection method: clinical testing. Allele origin: germline. Study: Canadian Open Genetics Repository.

Literature cited by the submitters: PubMed 39336803 (cited by Genomenon, Inc).